The following is an entry in ClinVar:

ClinVar aggregate classification (germline): Pathogenic/Likely pathogenic. Review status: criteria provided, multiple submitters, no conflicts (2 of 4 stars). 2 submissions from 2 submitters: Pathogenic (1); Likely pathogenic (1). Last evaluated 2023-12-14.

Conditions:
Werner syndrome (WRN). Identifiers: Orphanet 902, MedGen C0043119, MONDO:0010196, OMIM 277700.

Submissions (2):

Labcorp Genetics (formerly Invitae), Labcorp
Classification: Pathogenic for Werner syndrome. Last evaluated: 2023-12-14. Review status: criteria provided, single submitter. Criteria: Invitae Variant Classification Sherloc (09022015). Collection method: clinical testing. Allele origin: germline.
Comment: This sequence change creates a premature translational stop signal (p.Lys1371*) in the WRN gene. It is expected to result in an absent or disrupted protein product. Loss-of-function variants in WRN are known to be pathogenic (PMID: 16673358). This variant is not present in population databases (gnomAD no frequency). This variant has not been reported in the literature in individuals affected with WRN-related conditions. For these reasons, this variant has been classified as Pathogenic.

Baylor Genetics
Classification: Likely pathogenic for Werner syndrome. Last evaluated: 2023-08-16. Review status: criteria provided, single submitter. Criteria: ACMG Guidelines, 2015. Collection method: clinical testing. Allele origin: unknown.

Literature cited by the submitters: PubMed 16673358 (cited by Labcorp Genetics (formerly Invitae), Labcorp).

NM_000553.6(WRN):c.4111A>T (p.Lys1371Ter)

Gene: WRN (WRN RecQ like helicase; plus strand). Cytogenetic location: 8p12.
Variant type: single nucleotide variant.
Coding change: c.4111A>T on transcript NM_000553.6 (MANE Select); coding-DNA position 4111, A replaced by T.
Protein change: p.Lys1371Ter; replaces lysine 1371 with a stop codon.
Molecular consequence: nonsense.
Genome position (GRCh38, 1-based): chr8:31,167,150, A>T. VCF-style: chr8-31167150-A-T. GRCh37 (hg19) VCF-style: chr8-31024666-A-T.
Other names: short protein forms K1371*.
Identifiers: ClinVar variation 2679594 (VCV002679594.4), dbSNP rs774007667, ClinGen allele CA370909615.